The following is an entry in ClinVar:

NM_007294.4(BRCA1):c.5300G>T (p.Cys1767Phe)

Gene: BRCA1 (BRCA1 DNA repair associated; minus strand). Cytogenetic location: 17q21.31.
Variant type: single nucleotide variant.
Coding change: c.5300G>T on transcript NM_007294.4 (MANE Select); coding-DNA position 5300, G replaced by T.
Protein change: p.Cys1767Phe; replaces cysteine 1767 with phenylalanine.
Molecular consequence: missense variant. On other transcripts: non-coding transcript variant (1).
Genome position (GRCh38, 1-based): chr17:43,051,095, C>A on the plus strand (G>T on the coding strand, the complement: BRCA1 is on the minus strand). VCF-style: chr17-43051095-C-A. GRCh37 (hg19) VCF-style: chr17-41203112-C-A.
Other names: c.1865G>T, p.Cys622Phe (NM_001408437.1, NM_001408438.1, NM_001408432.1 and 10 more transcripts); c.1862G>T, p.Cys621Phe (NM_001408450.1, NM_001408445.1, NM_001408446.1 and 2 more transcripts); c.1856G>T, p.Cys619Phe (NM_001408451.1); c.1850G>T, p.Cys617Phe (NM_001408452.1, NM_001408453.1, NM_001408454.1 and 3 more transcripts); c.1847G>T, p.Cys616Phe (NM_001408458.1, NM_001408459.1, NM_001408460.1 and 7 more transcripts); c.1844G>T, p.Cys615Phe (NM_001408469.1, NM_001408470.1, NM_001408468.1); c.1988G>T, p.Cys663Phe (NM_001408472.1, NM_007298.4, NM_007299.4 and 13 more transcripts); c.1985G>T, p.Cys662Phe (NM_001408473.1, NM_001408392.1, NM_001408396.1 and 8 more transcripts); and 72 more; short protein forms C663F, C1767F, C1788F, C1720F, C1613F, C1638F, C1639F, C1678F.
Identifiers: ClinVar variation 868292 (VCV000868292.6), dbSNP rs1597804426, ClinGen allele CA10590947.

ClinVar aggregate classification (germline): Conflicting classifications of pathogenicity. Review status: criteria provided, conflicting classifications (1 of 4 stars). 2 submissions from 2 submitters: Likely pathogenic (1); Uncertain significance (1). Last evaluated 2021-09-20.

Conditions:
Hereditary cancer-predisposing syndrome. Also called: Neoplastic Syndromes, Hereditary; Tumor predisposition; Hereditary Cancer Syndrome; Hereditary neoplastic syndrome. Identifiers: Orphanet 140162, MedGen C0027672, MeSH D009386, MONDO:0015356.
Breast-ovarian cancer, familial, susceptibility to, 1 (BROVCA1). Also called: BRCA1 Hereditary Breast and Ovarian Cancer; OVARIAN CANCER, SUSCEPTIBILITY TO. Identifiers: Orphanet 145, MedGen C2676676, MONDO:0011450, OMIM 604370. Disease mechanism: loss of function.

Submissions (3):

Color Diagnostics, LLC DBA Color Health
Classification: Uncertain significance for Hereditary cancer-predisposing syndrome. Last evaluated: 2021-09-20. Review status: criteria provided, single submitter. Criteria: ACMG Guidelines, 2015. Collection method: clinical testing. Allele origin: germline.
Comment: This missense variant replaces cysteine with phenylalanine at codon 1767 of the BRCA1 protein. Computational prediction is inconclusive regarding the impact of this variant on protein structure and function (internally defined REVEL score threshold 0.5 < inconclusive < 0.7, PMID: 27666373). A functional study has reported that this variant does not impact BRCA1 function in a haploid cell proliferation assay (PMID: 30209399). This variant has not been reported in individuals affected with hereditary cancer in the literature. This variant has not been identified in the general population by the Genome Aggregation Database (gnomAD). The available evidence is insufficient to determine the role of this variant in disease conclusively. Therefore, this variant is classified as a Variant of Uncertain Significance.

Molecular Endocrinology Laboratory, Christian Medical College
Classification: Likely pathogenic for Breast-ovarian cancer, familial, susceptibility to, 1. Review status: criteria provided, single submitter. Criteria: ACMG Guidelines, 2015. Collection method: clinical testing. Allele origin: germline. Affected: yes.

Brotman Baty Institute, University of Washington
No classification provided (evidence only). Condition: Breast-ovarian cancer, familial 1. Review status: no classification provided. Collection method: in vitro. Allele origin: not applicable. Functional consequence: functionally_normal. Not counted in ClinVar's aggregate classification.
ClinVar note: "not provided" was previously submitted as the classification for the variant. However, the classification appeared to be based only on an observation of functional data so it was converted to no classification on 2025-07-30.

Literature cited by the submitters: PubMed 30209399 (cited by Color Diagnostics, LLC DBA Color Health).